The following is an entry in ClinVar:

ClinVar aggregate classification (germline): Pathogenic (1 of 4 stars; one submission).

Conditions:
Hereditary cancer-predisposing syndrome. Also called: Hereditary Cancer Syndrome; Hereditary neoplastic syndrome; Neoplastic Syndromes, Hereditary; Tumor predisposition. Identifiers: Orphanet 140162, MedGen C0027672, MeSH D009386, MONDO:0015356.

Submission:

Ambry Genetics
Classification: Pathogenic for Hereditary cancer-predisposing syndrome. Last evaluated: 2019-04-12. Review status: criteria provided, single submitter. Criteria: Ambry Variant Classification Scheme 2023. Collection method: clinical testing. Allele origin: germline.
Comment: The p.E392* pathogenic mutation (also known as c.1174G>T), located in coding exon 4 of the PALB2 gene, results from a G to T substitution at nucleotide position 1174. This changes the amino acid from a glutamic acid to a stop codon within coding exon 4. This alteration is expected to result in loss of function by premature protein truncation or nonsense-mediated mRNA decay. As such, this alteration is interpreted as a disease-causing mutation.

Literature cited by the submitters: PubMed 28637618.

NM_024675.4(PALB2):c.1174G>T (p.Glu392Ter)

Gene: PALB2 (partner and localizer of BRCA2; minus strand). Cytogenetic location: 16p12.2.
Variant type: single nucleotide variant.
Coding change: c.1174G>T on transcript NM_024675.4 (MANE Select); coding-DNA position 1174, G replaced by T.
Protein change: p.Glu392Ter; replaces glutamic acid 392 with a stop codon.
Molecular consequence: nonsense.
Genome position (GRCh38, 1-based): chr16:23,635,372, C>A on the plus strand (G>T on the coding strand, the complement: PALB2 is on the minus strand). VCF-style: chr16-23635372-C-A. GRCh37 (hg19) VCF-style: chr16-23646693-C-A.
Other names: c.1114G>T, p.Glu372Ter (NM_001407296.1); c.1174G>T, p.Glu392Ter (NM_001407297.1, NM_001407298.1, NM_001407299.1 and 3 more transcripts); c.289G>T, p.Glu97Ter (NM_001407304.1, NM_001407305.1, NM_001407306.1 and 5 more transcripts); short protein forms E97*, E372*, E392*.
Identifiers: ClinVar variation 1740412 (VCV001740412.2), dbSNP rs2142423775, ClinGen allele CA395133413.